The following is an entry in ClinVar:

ClinVar aggregate classification (germline): Uncertain significance. Review status: criteria provided, multiple submitters, no conflicts (2 of 4 stars). 2 submissions from 2 submitters: Uncertain significance (2). Last evaluated 2025-07-01.

Submissions (2):

CeGaT Center for Human Genetics Tuebingen
Classification: Uncertain significance. Last evaluated: 2025-07-01. Review status: criteria provided, single submitter. Criteria: CeGaT Center For Human Genetics Tuebingen Variant Classification Criteria Version 2. Collection method: clinical testing. Allele origin: germline. Affected: yes. Observed: 1 variant allele.
Comment: KIF23: PP2

Labcorp Genetics (formerly Invitae), Labcorp
Classification: Uncertain significance. Last evaluated: 2025-05-21. Review status: criteria provided, single submitter. Criteria: Invitae Variant Classification Sherloc (09022015). Collection method: clinical testing. Allele origin: germline.
Comment: This sequence change replaces aspartic acid, which is acidic and polar, with asparagine, which is neutral and polar, at codon 868 of the KIF23 protein (p.Asp868Asn). This variant is present in population databases (rs781720330, gnomAD 0.003%). This variant has not been reported in the literature in individuals affected with KIF23-related conditions. An algorithm developed to predict the effect of missense changes on protein structure and function outputs the following: PolyPhen-2: "Probably Damaging". The asparagine amino acid residue is found in multiple mammalian species, which suggests that this missense change does not adversely affect protein function. In summary, the available evidence is currently insufficient to determine the role of this variant in disease. Therefore, it has been classified as a Variant of Uncertain Significance.

NM_001367805.3(KIF23):c.2644G>A (p.Asp882Asn)

Gene: KIF23 (kinesin family member 23; plus strand). Cytogenetic location: 15q23.
Variant type: single nucleotide variant.
Coding change: c.2644G>A on transcript NM_001367805.3 (MANE Select); coding-DNA position 2644, G replaced by A.
Protein change: p.Asp882Asn; replaces aspartic acid 882 with asparagine.
Molecular consequence: missense variant. On other transcripts: non-coding transcript variant (2), intron variant (1).
Genome position (GRCh38, 1-based): chr15:69,445,012, G>A. VCF-style: chr15-69445012-G-A. GRCh37 (hg19) VCF-style: chr15-69737351-G-A.
Other names: c.2602G>A, p.Asp868Asn (NM_001367804.2, NM_138555.4); c.2290G>A, p.Asp764Asn (NM_004856.7); c.2050-997G>A (NM_001281301.2); short protein forms D764N, D868N, D882N.
Identifiers: ClinVar variation 4084423 (VCV004084423.9).